The following is an entry in ClinVar:

ClinVar aggregate classification (germline): Uncertain significance. Review status: criteria provided, multiple submitters, no conflicts (2 of 4 stars). 3 submissions from 3 submitters: Uncertain significance (2). 1 of the submissions does not count toward it. Last evaluated 2021-12-10.

Conditions:
Hearing loss. Identifiers: MedGen C3887873.
Autosomal recessive nonsyndromic hearing loss 4 (DFNB4). Also called: FOXI1-Related Pendred Syndrome; KCNJ10-Related Pendred Syndrome; NEUROSENSORY NONSYNDROMIC RECESSIVE DEAFNESS 4; Deafness, autosomal recessive 4, with enlarged vestibular aqueduct; Enlarged vestibular aqueduct, digenic; DEAFNESS, AUTOSOMAL RECESSIVE 4, WITH ENLARGED VESTIBULAR AQUEDUCT, DIGENIC. Identifiers: Orphanet 90636, MedGen C3538946, MONDO:0010933, OMIM 600791.
Pendred syndrome (PDS). Also called: THYROID DYSHORMONOGENESIS 2B; THYROID HORMONOGENESIS, GENETIC DEFECT IN, 2B; Pendred's syndrome; DEAFNESS WITH GOITER; GOITER-DEAFNESS SYNDROME; HYPOTHYROIDISM, CONGENITAL, DUE TO DYSHORMONOGENESIS, 2B. Identifiers: Orphanet 705, MedGen C0271829, MONDO:0010134, OMIM 274600.

Allele frequency attached by ClinVar (database versions not stated): gnomAD exomes below 0.00001; ExAC 0.00001.
gnomAD v4.1: 1 of 1,503,268 alleles (0.000067%); highest among the groups gnomAD compares: East Asian, 0.0023%; no homozygotes.

Submissions (3):

Fulgent Genetics
Classification: Uncertain significance for Pendred syndrome; Autosomal recessive nonsyndromic hearing loss 4. Last evaluated: 2021-12-10. Review status: criteria provided, single submitter. Criteria: ACMG Guidelines, 2015. Collection method: clinical testing. Allele origin: unknown.

Laboratory for Molecular Medicine, Mass General Brigham Personalized Medicine
Classification: Uncertain significance. Last evaluated: 2017-06-26. Review status: criteria provided, single submitter. Criteria: LMM Criteria. Collection method: clinical testing. Allele origin: germline. Observed: 2 variant alleles.
Comment: This variant has been identified in 1/17244 East Asian chromosome s by the Genome Aggregation Database (gnomAD; dbSNP rs764791809. Although this variant has been seen in the general populatio n, its frequency is not high enough to rule out a pathogenic role. This variant is located in the last three bases of the exon, which is part of the 5' splice region. Computational tools do not suggest an impact to splicing. However, this information is not predictive enough to rule out pathogenicity. Additional comp utational prediction tools and conservation analysis do not provide strong suppo rt for or against an impact to the protein. In summary, the clinical significanc e of the p.Glu2066Lys variant is uncertain.

Natera, Inc.
Classification: Uncertain significance for Pendred syndrome. Last evaluated: 2020-12-22. Review status: no assertion criteria provided. Collection method: clinical testing. Allele origin: germline. Not counted in ClinVar's aggregate classification.

NM_000441.2(SLC26A4):c.2317G>A (p.Glu773Lys)

Gene: SLC26A4 (solute carrier family 26 member 4; plus strand). Cytogenetic location: 7q22.3.
Variant type: single nucleotide variant.
Coding change: c.2317G>A on transcript NM_000441.2 (MANE Select); coding-DNA position 2317, G replaced by A.
Protein change: p.Glu773Lys; replaces glutamic acid 773 with lysine.
Molecular consequence: missense variant.
Genome position (GRCh38, 1-based): chr7:107,712,620, G>A. VCF-style: chr7-107712620-G-A. GRCh37 (hg19) VCF-style: chr7-107353065-G-A.
Other names: short protein forms E773K.
Identifiers: ClinVar variation 229257 (VCV000229257.8), dbSNP rs764791809, ClinGen allele CA4433115.
Genomic context (GRCh38, chr7:107,712,620, plus strand): 5'-AAAGATACCCTTGAATTAATAGAAACAGAGCTGACGGAAGAAGAACTTGATGTCCAGGAT[G>A]AGGTATGATCATTTTCTTCTGAAGAAAATATTTGAATTACATTTTGAATAATTAGAGTAA-3'
Protein context (NP_000432.1, residues 763-780): LTEEELDVQD[Glu773Lys]AMRTLAS